The following is an entry in ClinVar:

ClinVar aggregate classification (germline): Likely benign (0 of 4 stars; one submission).

Conditions:
STAG3-related disorder. Also called: STAG3-related condition.

Allele frequency attached by ClinVar (database versions not stated): gnomAD exomes 0.00012; ExAC 0.00028; gnomAD 0.00081; 1000 Genomes Project 30x 0.00094; 1000 Genomes Project 0.00100; TOPMed 0.00100; ESP Exome Variant Server 0.00101.
gnomAD v4.1: 317 of 1,602,384 alleles (0.02%); highest among the groups gnomAD compares: African/African-American, 0.29%; no homozygotes.

Submission:

PreventionGenetics, part of Exact Sciences
Classification: Likely benign for STAG3-related condition. Last evaluated: 2020-03-03. Review status: no assertion criteria provided. Collection method: clinical testing. Allele origin: germline.
Comment: This variant is classified as likely benign based on ACMG/AMP sequence variant interpretation guidelines (Richards et al. 2015 PMID: 25741868, with internal and published modifications).

NM_001282717.2(STAG3):c.1011G>A (p.Thr337=)

Gene: STAG3 (STAG3 cohesin complex component; plus strand). Cytogenetic location: 7q22.1.
Variant type: single nucleotide variant.
Coding change: c.1011G>A on transcript NM_001282717.2 (MANE Select); coding-DNA position 1011, G replaced by A.
Protein change: p.Thr337=; no amino-acid change (threonine 337 retained).
Molecular consequence: synonymous variant.
Genome position (GRCh38, 1-based): chr7:100,197,225, G>A. VCF-style: chr7-100197225-G-A. GRCh37 (hg19) VCF-style: chr7-99794848-G-A.
Other names: c.1011G>A, p.Thr337= (NM_001282716.1, NM_001375438.1, NM_012447.4); c.837G>A, p.Thr279= (NM_001282718.2).
Identifiers: ClinVar variation 3053777 (VCV003053777.2), dbSNP rs145604769, ClinGen allele CA4378291.